The following is an entry in ClinVar:

NM_001401501.2(MUC16):c.37440G>A (p.Arg12480=)

Gene: MUC16 (mucin 16, cell surface associated; minus strand). Cytogenetic location: 19p13.2.
Variant type: single nucleotide variant.
Coding change: c.37440G>A on transcript NM_001401501.2 (MANE Select); coding-DNA position 37440, G replaced by A.
Protein change: p.Arg12480=; no amino-acid change (arginine 12480 retained).
Molecular consequence: synonymous variant.
Genome position (GRCh38, 1-based): chr19:8,910,393, C>T on the plus strand (G>A on the coding strand, the complement: MUC16 is on the minus strand). VCF-style: chr19-8910393-C-T. GRCh37 (hg19) VCF-style: chr19-9021069-C-T.
Other names: c.37866G>A, p.Arg12622= (NM_001414686.1); c.37320G>A, p.Arg12440= (NM_001414687.1); c.37254G>A, p.Arg12418= (NM_024690.2).
Identifiers: ClinVar variation 3037918 (VCV003037918.2), dbSNP rs758491152, ClinGen allele CA9165320.

ClinVar aggregate classification (germline): Likely benign (0 of 4 stars; one submission).

Conditions:
MUC16-related disorder. Also called: MUC16-related condition.

Allele frequency attached by ClinVar (database versions not stated): ExAC 0.00103; 1000 Genomes Project 30x 0.01515.

Submission:

PreventionGenetics, part of Exact Sciences
Classification: Likely benign for MUC16-related condition. Last evaluated: 2019-10-21. Review status: no assertion criteria provided. Collection method: clinical testing. Allele origin: germline.
Comment: This variant is classified as likely benign based on ACMG/AMP sequence variant interpretation guidelines (Richards et al. 2015 PMID: 25741868, with internal and published modifications).